The following is an entry in ClinVar:

NM_001379500.1(COL18A1):c.2744G>A (p.Arg915Gln)

Genes: COL18A1 (collagen type XVIII alpha 1 chain; plus strand), SLC19A1 (solute carrier family 19 member 1; minus strand). Cytogenetic location: 21q22.3.
Variant type: single nucleotide variant.
Coding change: c.2744G>A on transcript NM_001379500.1 (MANE Select); coding-DNA position 2744, G replaced by A.
Protein change: p.Arg915Gln; replaces arginine 915 with glutamine.
Molecular consequence: missense variant.
Genome position (GRCh38, 1-based): chr21:45,504,432, G>A. VCF-style: chr21-45504432-G-A. GRCh37 (hg19) VCF-style: chr21-46924346-G-A.
Other names: NM_130445.2:c.2744G>A; c.3284G>A, p.Arg1095Gln (NM_030582.4); c.3989G>A, p.Arg1330Gln (NM_130444.3); c.3284G>A (NM_030582.3); short protein forms R1095Q, R1330Q, R915Q.
Identifiers: ClinVar variation 1437174 (VCV001437174.16), dbSNP rs570708678, ClinGen allele CA10067444.

ClinVar aggregate classification (germline): Conflicting classifications of pathogenicity. Review status: criteria provided, conflicting classifications (1 of 4 stars). 6 submissions from 6 submitters: Uncertain significance (5); Likely benign (1). Last evaluated 2026-09-15.

Conditions:
COL18A1-related disorder. Also called: COL18A1-related disorders; COL18A1-related condition.
Inborn genetic diseases. Identifiers: MedGen C0950123, MeSH D030342.

Allele frequency attached by ClinVar (database versions not stated): TOPMed 0.00006; gnomAD exomes 0.00010; gnomAD 0.00011; ExAC 0.00013; 1000 Genomes Project 30x 0.00016; 1000 Genomes Project 0.00020.
gnomAD v4.1: 93 of 1,611,788 alleles (0.0058%); highest among the groups gnomAD compares: South Asian, 0.032%; no homozygotes.

Submissions (6):

PreventionGenetics, part of Exact Sciences
Classification: Uncertain significance for COL18A1-related condition. Last evaluated: 2026-09-15. Review status: criteria provided, single submitter. Criteria: ACMG Guidelines, 2015. Collection method: clinical testing. Allele origin: germline.
Comment: The COL18A1 c.3284G>A variant is predicted to result in the amino acid substitution p.Arg1095Gln. To our knowledge, this variant has not been reported in the literature in association with established COL18A1-related disease. This variant is reported in 0.036% of alleles in individuals of South Asian descent in gnomAD. At this time, the clinical significance of this variant is uncertain due to the absence of conclusive functional and genetic evidence.

CeGaT Center for Human Genetics Tuebingen
Classification: Uncertain significance. Last evaluated: 2025-11-01. Review status: criteria provided, single submitter. Criteria: CeGaT Center For Human Genetics Tuebingen Variant Classification Criteria Version 2. Collection method: clinical testing. Allele origin: germline. Affected: yes. Observed: 1 variant allele.
Comment: COL18A1: PM2

Blueprint Genetics
Classification: Likely benign. Last evaluated: 2024-02-07. Review status: criteria provided, single submitter. Criteria: ACMG Guidelines, 2015. Collection method: clinical testing. Allele origin: germline.

Women's Health and Genetics/Laboratory Corporation of America, LabCorp
Classification: Uncertain significance. Last evaluated: 2023-10-11. Review status: criteria provided, single submitter. Criteria: LabCorp Variant Classification Summary - May 2015. Collection method: clinical testing. Allele origin: germline.
Comment: Variant summary: COL18A1 c.2744G>A (p.Arg915Gln) results in a conservative amino acid change in the encoded protein sequence. Three of four in-silico tools predict a benign effect of the variant on protein function. The variant allele was found at a frequency of 9.9e-05 in 241974 control chromosomes. To our knowledge, no occurrence of c.2744G>A in individuals affected with Knobloch Syndrome 1 and no experimental evidence demonstrating its impact on protein function have been reported. Two submitters have cited clinical-significance assessments for this variant to ClinVar after 2014. All submitters classified the variant as uncertain significance. Based on the evidence outlined above, the variant was classified as uncertain significance.

Labcorp Genetics (formerly Invitae), Labcorp
Classification: Uncertain significance. Last evaluated: 2022-10-17. Review status: criteria provided, single submitter. Criteria: Invitae Variant Classification Sherloc (09022015). Collection method: clinical testing. Allele origin: germline.
Comment: This sequence change replaces arginine, which is basic and polar, with glutamine, which is neutral and polar, at codon 915 of the COL18A1 protein (p.Arg915Gln). This variant is present in population databases (rs570708678, gnomAD 0.04%). This variant has not been reported in the literature in individuals affected with COL18A1-related conditions. ClinVar contains an entry for this variant (Variation ID: 1437174). Experimental studies and prediction algorithms are not available or were not evaluated, and the functional significance of this variant is currently unknown. In summary, the available evidence is currently insufficient to determine the role of this variant in disease. Therefore, it has been classified as a Variant of Uncertain Significance.

Ambry Genetics
Classification: Uncertain significance for Inborn genetic diseases. Last evaluated: 2021-10-18. Review status: criteria provided, single submitter. Criteria: Ambry Variant Classification Scheme 2023. Collection method: clinical testing. Allele origin: germline.